The following is an entry in ClinVar:

NM_017802.4(DNAAF5):c.1320del (p.Leu441fs)

Gene: DNAAF5 (dynein axonemal assembly factor 5; plus strand). Cytogenetic location: 7p22.3.
Variant type: Deletion.
Coding change: c.1320del on transcript NM_017802.4 (MANE Select); coding-DNA position 1320, one base deleted (C; older notation c.1320delC).
Protein change: p.Leu441fs; shifts the reading frame from leucine 441.
Molecular consequence: frameshift variant. On other transcripts: non-coding transcript variant (1).
Genome position (GRCh38, 1-based): chr7:756,844, C deleted. VCF-style (leftmost placement, unchanged base first): chr7-756843-TC-T. GRCh37 (hg19) VCF-style: chr7-796480-TC-T.
Other names: short protein forms L441fs.
Identifiers: ClinVar variation 4879753 (VCV004879753.2).

ClinVar aggregate classification (germline): Pathogenic/Likely pathogenic. Review status: criteria provided, multiple submitters, no conflicts (2 of 4 stars). 2 submissions from 2 submitters: Pathogenic (1); Likely pathogenic (1). Last evaluated 2026-05-05.

Conditions:
DNAAF5-related disorders.
Primary ciliary dyskinesia 18. Also called: CILIARY DYSKINESIA, PRIMARY, 18, WITH OR WITHOUT SITUS INVERSUS. Identifiers: Orphanet 244, MedGen C3543825, MONDO:0013940, OMIM 614874.

Submissions (2):

Victorian Clinical Genetics Services, Murdoch Childrens Research Institute
Classification: Pathogenic for Primary ciliary dyskinesia 18. Last evaluated: 2026-05-05. Review status: criteria provided, single submitter. Criteria: ACMG Guidelines, 2015. Collection method: clinical testing. Allele origin: germline. Affected: yes.
Comment: This variant is classified as Pathogenic. Evidence in support of pathogenic classification: Variant is predicted to cause nonsense-mediated decay (NMD) and loss of protein (premature termination codon is located at least 54 nucleotides upstream of the final exon-exon junction); Variant is present in gnomAD <0.01 for a recessive condition (v4: 5 heterozygote(s), 0 homozygote(s)); Other NMD-predicted variant(s) comparable to the one identified in this case have very strong previous evidence for pathogenicity (DECIPHER). Additional information: This variant is heterozygous; This gene is associated with autosomal recessive disease; This variant has no previous evidence of pathogenicity; No published evidence of segregation with disease has been identified for this variant; No published functional evidence has been identified for this variant; Loss of function is a known mechanism of disease in this gene and is associated with ciliary dyskinesia, primary, 18 (MIM#614874); Inheritance information for this variant is not currently available in this individual.

Blueprint Genetics
Classification: Likely pathogenic for DNAAF5-related disorders. Last evaluated: 2024-11-04. Review status: criteria provided, single submitter. Criteria: ACMG Guidelines, 2015. Collection method: clinical testing. Allele origin: germline. Affected: yes. Observed: 4 variant alleles.